The following is an entry in ClinVar:

ClinVar aggregate classification (germline): Uncertain significance (1 of 4 stars; one submission).

Submission:

CeGaT Center for Human Genetics Tuebingen
Classification: Uncertain significance. Last evaluated: 2025-11-01. Review status: criteria provided, single submitter. Criteria: CeGaT Center For Human Genetics Tuebingen Variant Classification Criteria Version 2. Collection method: clinical testing. Allele origin: germline. Affected: yes. Observed: 1 variant allele.
Comment: CAPN15: PM4

NM_005632.3(CAPN15):c.1009_1017del (p.Ser337_Pro339del)

Gene: CAPN15 (calpain 15; plus strand). Cytogenetic location: 16p13.3.
Variant type: Deletion.
Coding change: c.1009_1017del on transcript NM_005632.3 (MANE Select); coding-DNA positions 1009 to 1017, 9 bases deleted (TCCAGCCCC; older notation c.1009_1017delTCCAGCCCC).
Protein change: p.Ser337_Pro339del.
Molecular consequence: inframe deletion.
Genome position (GRCh38, 1-based): chr16:547,847-547,855, TCCAGCCCC deleted; deleting any 9 consecutive bases within chr16:547,839-547,855 gives the same sequence; the c. name uses the placement nearest the transcript's 3' end. VCF-style (leftmost placement, unchanged base first): chr16-547838-GCCAGCCCCT-G. GRCh37 (hg19) VCF-style: chr16-597838-GCCAGCCCCT-G.
Identifiers: ClinVar variation 4534156 (VCV004534156.6).
Genomic context (GRCh38, chr16:547,838, plus strand): 5'-AGCTCCACCTCGGGCAGTGACATCATTGACCTGGCCGGAGACACCGTGCGTTACACGCCC[GCCAGCCCCT>G]CCAGCCCCGACTTCACCACCTGGTCATGTGCCAAGTGCACGCTCAGAAACCCCACAGTGG-3'